The following is an entry in ClinVar:

ClinVar aggregate classification (germline): Uncertain significance (1 of 4 stars; one submission).

Conditions:
Fanconi anemia (FA). Also called: Fanconi's anemia. Identifiers: Orphanet 84, MedGen C0015625, MeSH D005199, MONDO:0019391.

Submission:

Labcorp Genetics (formerly Invitae), Labcorp
Classification: Uncertain significance for Fanconi anemia. Last evaluated: 2022-12-20. Review status: criteria provided, single submitter. Criteria: Invitae Variant Classification Sherloc (09022015). Collection method: clinical testing. Allele origin: germline.
Comment: In summary, the available evidence is currently insufficient to determine the role of this variant in disease. Therefore, it has been classified as a Variant of Uncertain Significance. Algorithms developed to predict the effect of missense changes on protein structure and function (SIFT, PolyPhen-2, Align-GVGD) all suggest that this variant is likely to be tolerated. This variant has not been reported in the literature in individuals affected with SLX4-related conditions. This variant is not present in population databases (gnomAD no frequency). This sequence change replaces cysteine, which is neutral and slightly polar, with tyrosine, which is neutral and polar, at codon 926 of the SLX4 protein (p.Cys926Tyr).

NM_032444.4(SLX4):c.2777G>A (p.Cys926Tyr)

Gene: SLX4 (SLX4 structure-specific endonuclease subunit; minus strand). Cytogenetic location: 16p13.3.
Variant type: single nucleotide variant.
Coding change: c.2777G>A on transcript NM_032444.4 (MANE Select); coding-DNA position 2777, G replaced by A.
Protein change: p.Cys926Tyr; replaces cysteine 926 with tyrosine.
Molecular consequence: missense variant.
Genome position (GRCh38, 1-based): chr16:3,590,861, C>T on the plus strand (G>A on the coding strand, the complement: SLX4 is on the minus strand). VCF-style: chr16-3590861-C-T. GRCh37 (hg19) VCF-style: chr16-3640862-C-T.
Other names: short protein forms C926Y.
Identifiers: ClinVar variation 2012815 (VCV002012815.4), dbSNP rs2151125157, ClinGen allele CA394522905.